The following is an entry in ClinVar:

ClinVar aggregate classification (germline): Pathogenic/Likely pathogenic. Review status: criteria provided, multiple submitters, no conflicts (2 of 4 stars). 5 submissions from 5 submitters: Pathogenic (3); Likely pathogenic (1). 1 of the submissions does not count toward it. Last evaluated 2022-10-21.

Conditions:
Hereditary factor XI deficiency disease. Also called: Congenital factor XI deficiency; PLASMA THROMBOPLASTIN ANTECEDENT DEFICIENCY; PTA DEFICIENCY; ROSENTHAL SYNDROME. Identifiers: Orphanet 329, MedGen C0015523, MeSH D005173, MONDO:0012897, OMIM 612416.

Allele frequency attached by ClinVar (database versions not stated): gnomAD 0.00001; gnomAD exomes 0.00001; TOPMed 0.00001; ExAC 0.00002.
gnomAD v4.1: 12 of 1,614,028 alleles (0.00074%); highest among the groups gnomAD compares: Non-Finnish European, 0.001%; no homozygotes.

Submissions (5):

Labcorp Genetics (formerly Invitae), Labcorp
Classification: Pathogenic. Last evaluated: 2022-10-21. Review status: criteria provided, single submitter. Criteria: Invitae Variant Classification Sherloc (09022015). Collection method: clinical testing. Allele origin: germline.
Comment: This sequence change creates a premature translational stop signal (p.Gln23*) in the F11 gene. It is expected to result in an absent or disrupted protein product. Loss-of-function variants in F11 are known to be pathogenic (PMID: 23929304). This variant is present in population databases (rs768409400, gnomAD 0.0009%). This premature translational stop signal has been observed in individual(s) with clinical features of autosomal recessive factor XI deficiency (PMID: 21649796, 24112640). ClinVar contains an entry for this variant (Variation ID: 189122). Algorithms developed to predict the effect of sequence changes on RNA splicing suggest that this variant may disrupt the consensus splice site. For these reasons, this variant has been classified as Pathogenic.

Fulgent Genetics
Classification: Pathogenic for Hereditary factor XI deficiency disease. Last evaluated: 2022-05-25. Review status: criteria provided, single submitter. Criteria: ACMG Guidelines, 2015. Collection method: clinical testing. Allele origin: unknown.

Revvity Omics, Revvity
Classification: Likely pathogenic for Hereditary factor XI deficiency disease. Last evaluated: 2020-10-26. Review status: criteria provided, single submitter. Criteria: ACMG Guidelines, 2015. Collection method: clinical testing. Allele origin: germline.

Eurofins Ntd Llc (ga)
Classification: Pathogenic. Last evaluated: 2016-12-29. Review status: criteria provided, single submitter. Criteria: EGL Classification Definitions 2015. Collection method: clinical testing. Allele origin: germline. Observed: 1 variant allele, 1 heterozygote.

Counsyl
Classification: Likely pathogenic for Hereditary factor XI deficiency disease. Last evaluated: 2015-01-09. Review status: no assertion criteria provided. Collection method: literature only. Allele origin: unknown. Inheritance: Autosomal recessive inheritance. Not counted in ClinVar's aggregate classification.

Literature cited by the submitters: PubMed 23929304 (cited by Labcorp Genetics (formerly Invitae), Labcorp); PubMed 21649796 (cited by Labcorp Genetics (formerly Invitae), Labcorp and Counsyl); PubMed 24112640 (cited by Labcorp Genetics (formerly Invitae), Labcorp and Counsyl).

NM_000128.4(F11):c.67C>T (p.Gln23Ter)

Gene: F11 (coagulation factor XI; plus strand). Cytogenetic location: 4q35.2.
Variant type: single nucleotide variant.
Coding change: c.67C>T on transcript NM_000128.4 (MANE Select); coding-DNA position 67, C replaced by T.
Protein change: p.Gln23Ter; replaces glutamine 23 with a stop codon.
Molecular consequence: nonsense.
Genome position (GRCh38, 1-based): chr4:186,271,620, C>T. VCF-style: chr4-186271620-C-T. GRCh37 (hg19) VCF-style: chr4-187192774-C-T.
Other names: c.67C>T, p.Gln23Ter (NM_001354804.2); short protein forms Q23*.
Identifiers: ClinVar variation 189122 (VCV000189122.27), dbSNP rs768409400, ClinGen allele CA199124.